The following is an entry in ClinVar:

NM_152443.3(RDH12):c.569G>A (p.Ser190Asn)

Genes: GPHN (gephyrin; plus strand), RDH12 (retinol dehydrogenase 12; plus strand). Cytogenetic location: 14q24.1.
Variant type: single nucleotide variant.
Coding change: c.569G>A on transcript NM_152443.3 (MANE Select); coding-DNA position 569, G replaced by A.
Protein change: p.Ser190Asn; replaces serine 190 with asparagine.
Molecular consequence: missense variant.
Genome position (GRCh38, 1-based): chr14:67,727,101, G>A. VCF-style: chr14-67727101-G-A. GRCh37 (hg19) VCF-style: chr14-68193818-G-A.
Other names: short protein forms S190N.
Identifiers: ClinVar variation 854728 (VCV000854728.8), dbSNP rs371107041, ClinGen allele CA7238749.

ClinVar aggregate classification (germline): Uncertain significance. Review status: criteria provided, multiple submitters, no conflicts (2 of 4 stars). 6 submissions from 6 submitters: Uncertain significance (4). 2 of the submissions do not count toward it. Last evaluated 2024-10-15.

Conditions:
Leber congenital amaurosis (LCA). Also called: Leber's amaurosis. Identifiers: Orphanet 65, MedGen C0339527, MeSH D057130, MONDO:0018998.
Leber congenital amaurosis 13 (LCA13). Identifiers: MedGen C2675186, MONDO:0012990, OMIM 612712.
RDH12-related disorder. Also called: RDH12-related disorders; RDH12-related condition.
Inborn genetic diseases. Identifiers: MedGen C0950123, MeSH D030342.

Allele frequency attached by ClinVar (database versions not stated): gnomAD exomes 0.00001 and 0.00006; ExAC 0.00007; ESP Exome Variant Server 0.00008; gnomAD 0.00008 and 0.00011; TOPMed 0.00008.
gnomAD v4.1: 56 of 1,614,082 alleles (0.0035%); highest among the groups gnomAD compares: African/African-American, 0.019%; no homozygotes.

Submissions (6):

Labcorp Genetics (formerly Invitae), Labcorp
Classification: Uncertain significance for Leber congenital amaurosis 13. Last evaluated: 2024-10-15. Review status: criteria provided, single submitter. Criteria: Invitae Variant Classification Sherloc (09022015). Collection method: clinical testing. Allele origin: germline.
Comment: This sequence change replaces serine, which is neutral and polar, with asparagine, which is neutral and polar, at codon 190 of the RDH12 protein (p.Ser190Asn). This variant is present in population databases (rs371107041, gnomAD 0.04%). This variant has not been reported in the literature in individuals affected with RDH12-related conditions. ClinVar contains an entry for this variant (Variation ID: 854728). Invitae Evidence Modeling of protein sequence and biophysical properties (such as structural, functional, and spatial information, amino acid conservation, physicochemical variation, residue mobility, and thermodynamic stability) indicates that this missense variant is not expected to disrupt RDH12 protein function with a negative predictive value of 80%. In summary, the available evidence is currently insufficient to determine the role of this variant in disease. Therefore, it has been classified as a Variant of Uncertain Significance.

Blueprint Genetics
Classification: Uncertain significance. Last evaluated: 2024-09-13. Review status: criteria provided, single submitter. Criteria: ACMG Guidelines, 2015. Collection method: clinical testing. Allele origin: germline.

Department of Pathology and Laboratory Medicine, Sinai Health System
Classification: Uncertain significance for Leber congenital amaurosis 13. Last evaluated: 2022-12-15. Review status: criteria provided, single submitter. Criteria: ACMG Guidelines, 2015. Collection method: research. Allele origin: germline.

Ambry Genetics
Classification: Uncertain significance for Inborn genetic diseases. Last evaluated: 2021-10-06. Review status: criteria provided, single submitter. Criteria: Ambry Variant Classification Scheme 2023. Collection method: clinical testing. Allele origin: germline.

PreventionGenetics, part of Exact Sciences
Classification: Uncertain significance for RDH12-related condition. Last evaluated: 2024-09-25. Review status: no assertion criteria provided. Collection method: clinical testing. Allele origin: germline. Not counted in ClinVar's aggregate classification.
Comment: The RDH12 c.569G>A variant is predicted to result in the amino acid substitution p.Ser190Asn. To our knowledge, this variant has not been reported in the literature. This variant is reported in 0.050% of alleles in individuals of East Asian descent in gnomAD, which may be too common to be an unreported cause of disease. Although we suspect that this variant may be benign, at this time, the clinical significance of this variant is uncertain due to the absence of conclusive functional and genetic evidence.

Natera, Inc.
Classification: Uncertain significance for Leber congenital amaurosis. Last evaluated: 2020-01-24. Review status: no assertion criteria provided. Collection method: clinical testing. Allele origin: germline. Not counted in ClinVar's aggregate classification.